The following is an entry in ClinVar:

NM_004656.4(BAP1):c.483A>G (p.Ala161=)

Gene: BAP1 (BRCA1 associated deubiquitinase 1; minus strand). Cytogenetic location: 3p21.1.
Variant type: single nucleotide variant.
Coding change: c.483A>G on transcript NM_004656.4 (MANE Select); coding-DNA position 483, A replaced by G.
Protein change: p.Ala161=; no amino-acid change (alanine 161 retained).
Molecular consequence: synonymous variant.
Genome position (GRCh38, 1-based): chr3:52,407,271, T>C on the plus strand (A>G on the coding strand, the complement: BAP1 is on the minus strand). VCF-style: chr3-52407271-T-C. GRCh37 (hg19) VCF-style: chr3-52441287-T-C.
Other names: c.483A>G (NM_004656.2).
Identifiers: ClinVar variation 772560 (VCV000772560.11), dbSNP rs1578226473, ClinGen allele CA433777242.

ClinVar aggregate classification (germline): Benign/Likely benign. Review status: criteria provided, multiple submitters, no conflicts (2 of 4 stars). 4 submissions from 4 submitters: Benign (1); Likely benign (3). Last evaluated 2025-11-03.

Conditions:
Hereditary cancer-predisposing syndrome. Also called: Neoplastic Syndromes, Hereditary; Hereditary Cancer Syndrome; Tumor predisposition; Hereditary neoplastic syndrome. Identifiers: Orphanet 140162, MedGen C0027672, MeSH D009386, MONDO:0015356.
BAP1-related tumor predisposition syndrome (TPDS1). Also called: BAP1 tumor predisposition syndrome; Tumor susceptibility linked to germline BAP1 mutations; COMMON Syndrome; TUMOR PREDISPOSITION SYNDROME 1. Identifiers: Orphanet 289539, MedGen C3280492, MONDO:0013692, OMIM 614327.

Allele frequency attached by ClinVar (database versions not stated): gnomAD exomes 0.00001.
gnomAD v4.1: 5 of 1,614,156 alleles (0.00031%); highest among the groups gnomAD compares: Admixed American, 0.0017%; no homozygotes.

Submissions (4):

Labcorp Genetics (formerly Invitae), Labcorp
Classification: Likely benign for BAP1-related tumor predisposition syndrome. Last evaluated: 2025-11-03. Review status: criteria provided, single submitter. Criteria: Invitae Variant Classification Sherloc (09022015). Collection method: clinical testing. Allele origin: germline.

Myriad Genetics, Inc.
Classification: Benign for BAP1-related tumor predisposition syndrome. Last evaluated: 2024-07-12. Review status: criteria provided, single submitter. Criteria: Myriad Autosomal Dominant, Autosomal Recessive and X-Linked Classification Criteria (2023). Collection method: clinical testing. Allele origin: unknown.
Comment: This variant is considered benign. This variant is a silent/synonymous amino acid change and it is not expected to impact splicing.

Ambry Genetics
Classification: Likely benign for Hereditary cancer-predisposing syndrome. Last evaluated: 2024-05-09. Review status: criteria provided, single submitter. Criteria: Ambry Variant Classification Scheme 2023. Collection method: clinical testing. Allele origin: germline.

Color Diagnostics, LLC DBA Color Health
Classification: Likely benign for Hereditary cancer-predisposing syndrome. Last evaluated: 2020-01-28. Review status: criteria provided, single submitter. Criteria: ACMG Guidelines, 2015. Collection method: clinical testing. Allele origin: germline.